The following is an entry in ClinVar:

NM_007373.4(SHOC2):c.571C>G (p.Leu191Val)

Gene: SHOC2 (SHOC2 leucine rich repeat scaffold protein; plus strand). Cytogenetic location: 10q25.2.
Variant type: single nucleotide variant.
Coding change: c.571C>G on transcript NM_007373.4 (MANE Select); coding-DNA position 571, C replaced by G.
Protein change: p.Leu191Val; replaces leucine 191 with valine.
Molecular consequence: missense variant. On other transcripts: 5 prime UTR variant (1), non-coding transcript variant (1), intron variant (3).
Genome position (GRCh38, 1-based): chr10:110,964,929, C>G. VCF-style: chr10-110964929-C-G. GRCh37 (hg19) VCF-style: chr10-112724687-C-G.
Other names: c.571C>G, p.Leu191Val (NM_001441187.1, NM_001269039.3, NM_001324336.2 and 4 more transcripts); c.-216C>G (NM_001441188.1); c.-380-20699C>G (NM_001441190.1); c.-249-20699C>G (NM_001441191.1); c.-242-35486C>G (NM_001441189.1); short protein forms L191V.
Identifiers: ClinVar variation 4614948 (VCV004614948.2).

ClinVar aggregate classification (germline): Uncertain significance. Review status: criteria provided, multiple submitters, no conflicts (2 of 4 stars). 2 submissions from 2 submitters: Uncertain significance (2). Last evaluated 2025-11-12.

Conditions:
RASopathy. Also called: Noonan spectrum disorder; rasopathies. Identifiers: Orphanet 536391, MedGen C5555857, MONDO:0021060.
Cardiovascular phenotype. Identifiers: MedGen CN230736.

gnomAD v4.1: 7 of 1,613,740 alleles (0.00043%); highest among the groups gnomAD compares: East Asian, 0.0045%; no homozygotes.

Submissions (2):

Ambry Genetics
Classification: Uncertain significance for Cardiovascular phenotype. Last evaluated: 2025-11-12. Review status: criteria provided, single submitter. Criteria: Ambry Variant Classification Scheme 2023. Collection method: clinical testing. Allele origin: germline.

Labcorp Genetics (formerly Invitae), Labcorp
Classification: Uncertain significance for RASopathy. Last evaluated: 2025-10-08. Review status: criteria provided, single submitter. Criteria: Invitae Variant Classification Sherloc (09022015). Collection method: clinical testing. Allele origin: germline.
Comment: This sequence change replaces leucine, which is neutral and non-polar, with valine, which is neutral and non-polar, at codon 191 of the SHOC2 protein (p.Leu191Val). This variant is not present in population databases (gnomAD no frequency). This variant has not been reported in the literature in individuals affected with SHOC2-related conditions. Invitae Evidence Modeling of protein sequence and biophysical properties (such as structural, functional, and spatial information, amino acid conservation, physicochemical variation, residue mobility, and thermodynamic stability) indicates that this missense variant is not expected to disrupt SHOC2 protein function with a negative predictive value of 80%. In summary, the available evidence is currently insufficient to determine the role of this variant in disease. Therefore, it has been classified as a Variant of Uncertain Significance.